The following is an entry in ClinVar:

ClinVar aggregate classification (germline): Likely pathogenic (1 of 4 stars; one submission).

Submissions (7):

GeneDx
Classification: Likely pathogenic. Last evaluated: 2020-08-31. Review status: criteria provided, single submitter. Criteria: GeneDx Variant Classification Process June 2021. Collection method: clinical testing. Allele origin: germline. Affected: yes.
Comment: Not observed in large population cohorts (Lek et al., 2016); Missense variants in this gene are often considered pathogenic (Stenson et al., 2014); In silico analysis supports that this missense variant has a deleterious effect on protein structure/function; This variant is associated with the following publications: (PMID: 28837158)

Channelopathy-Associated Epilepsy Research Center
No classification provided (evidence only). Condition: Complex neurodevelopmental disorder. Review status: no classification provided. Collection method: literature only. Allele origin: not applicable. Functional consequence: Severe decrease in peak current, Mild slowing of activation, Normal voltage dependence of activation. Not counted in ClinVar's aggregate classification.
ClinVar note: "not provided" was previously submitted as the classification for the variant. However, the classification appeared to be based only on an observation of functional data so it was converted to no classification on 2025-07-30.

Channelopathy-Associated Epilepsy Research Center
No classification provided (evidence only). Review status: no classification provided. Collection method: in vitro. Allele origin: not applicable. Functional consequence: Decrease in peak current. Not counted in ClinVar's aggregate classification.

Channelopathy-Associated Epilepsy Research Center
No classification provided (evidence only). Review status: no classification provided. Collection method: in vitro. Allele origin: not applicable. Functional consequence: Decrease in peak current. Not counted in ClinVar's aggregate classification.

Channelopathy-Associated Epilepsy Research Center
No classification provided (evidence only). Review status: no classification provided. Collection method: in vitro. Allele origin: not applicable. Functional consequence: Hyperpolarizing shift of voltage dependence of activation. Not counted in ClinVar's aggregate classification.

Channelopathy-Associated Epilepsy Research Center
No classification provided (evidence only). Review status: no classification provided. Collection method: in vitro. Allele origin: not applicable. Functional consequence: Normal slope of activation. Not counted in ClinVar's aggregate classification.

Channelopathy-Associated Epilepsy Research Center
No classification provided (evidence only). Review status: no classification provided. Collection method: in vitro. Allele origin: not applicable. Functional consequence: Normal rate of activation. Not counted in ClinVar's aggregate classification.

Literature cited by the submitters: PubMed 35104249 (cited by Channelopathy-Associated Epilepsy Research Center).

NM_172107.4(KCNQ2):c.682C>T (p.His228Tyr)

Gene: KCNQ2 (potassium voltage-gated channel subfamily Q member 2; minus strand). Cytogenetic location: 20q13.33.
Variant type: single nucleotide variant.
Coding change: c.682C>T on transcript NM_172107.4 (MANE Select); coding-DNA position 682, C replaced by T.
Protein change: p.His228Tyr; replaces histidine 228 with tyrosine.
Molecular consequence: missense variant.
Genome position (GRCh38, 1-based): chr20:63,444,667, G>A on the plus strand (C>T on the coding strand, the complement: KCNQ2 is on the minus strand). VCF-style: chr20-63444667-G-A. GRCh37 (hg19) VCF-style: chr20-62076020-G-A.
Other names: c.682C>T, p.His228Tyr (NM_004518.6, NM_172106.3, NM_172108.5 and 1 more transcripts); short protein forms H228Y.
Identifiers: ClinVar variation 432161 (VCV000432161.6), dbSNP rs1555873665, ClinGen allele CA409654654.
Genomic context (GRCh38, chr20:63,444,667, plus strand): 5'-GGACTCTCGCTGGCTGGGGGCGCCCACCGCCAGCCTTGGGGCCGTGACTCACCTTGCTGT[G>A]GGCATAGACCACAGAGCCCAGCAGCTTCCAGGTGCCTCCCCGCCGGTCCATGCGGATCAT-3'
Protein context (NP_742105.1, residues 218-238): WKLLGSVVYA[His228Tyr]SKELVTAWYI